The following is an entry in ClinVar:

ClinVar aggregate classification (germline): Likely benign. Review status: criteria provided, multiple submitters, no conflicts (2 of 4 stars). 2 submissions from 2 submitters: Likely benign (2). Last evaluated 2025-10-02.

Submissions (2):

Labcorp Genetics (formerly Invitae), Labcorp
Classification: Likely benign. Last evaluated: 2025-10-02. Review status: criteria provided, single submitter. Criteria: Invitae Variant Classification Sherloc (09022015). Collection method: clinical testing. Allele origin: germline.

Mayo Clinic Laboratories, Mayo Clinic
Classification: Likely benign. Last evaluated: 2025-09-02. Review status: criteria provided, single submitter. Criteria: ACMG Guidelines, 2015. Collection method: clinical testing. Allele origin: germline. Observed: 2 variant alleles.
Comment: BP4, BP7

NM_003632.3(CNTNAP1):c.1941G>A (p.Gly647=)

Gene: CNTNAP1 (contactin associated protein 1; plus strand). Cytogenetic location: 17q21.2.
Variant type: single nucleotide variant.
Coding change: c.1941G>A on transcript NM_003632.3 (MANE Select); coding-DNA position 1941, G replaced by A.
Protein change: p.Gly647=; no amino-acid change (glycine 647 retained).
Molecular consequence: synonymous variant.
Genome position (GRCh38, 1-based): chr17:42,690,824, G>A. VCF-style: chr17-42690824-G-A. GRCh37 (hg19) VCF-style: chr17-40842842-G-A.
Other names: p.Gly647=.
Identifiers: ClinVar variation 3706096 (VCV003706096.3).